The following is an entry in ClinVar:

ClinVar aggregate classification (germline): Benign/Likely benign. Review status: criteria provided, multiple submitters, no conflicts (2 of 4 stars). 10 submissions from 10 submitters: Benign (5); Likely benign (4). 1 of the submissions does not count toward it. Last evaluated 2026-03-01.

Conditions:
SMARCA2-related disorder. Also called: SMARCA2-related condition.
Inborn genetic diseases. Identifiers: MedGen C0950123, MeSH D030342.
Nicolaides-Baraitser syndrome (NCBRS). Also called: Intellectual disability-sparse hair-brachydactyly syndrome; SMARCA2-Related Nicolaides-Baraitser Syndrome. Identifiers: Orphanet 3051, MedGen C1303073, MONDO:0011053, OMIM 601358.

Allele frequency attached by ClinVar (database versions not stated): 1000 Genomes Project 30x 0.00016; 1000 Genomes Project 0.00020; ESP Exome Variant Server 0.00046; ExAC 0.00078; gnomAD exomes 0.00078 and 0.00080; gnomAD 0.00082 and 0.00087; TOPMed 0.00088.
gnomAD v4.1: 1,271 of 1,614,152 alleles (0.079%); highest among the groups gnomAD compares: Middle Eastern, 0.21%; no homozygotes.

Submissions (10):

CeGaT Center for Human Genetics Tuebingen
Classification: Likely benign. Last evaluated: 2026-03-01. Review status: criteria provided, single submitter. Criteria: CeGaT Center For Human Genetics Tuebingen Variant Classification Criteria Version 2. Collection method: clinical testing. Allele origin: germline. Affected: yes. Observed: 10 variant alleles.
Comment: SMARCA2: BP4, BS1

Labcorp Genetics (formerly Invitae), Labcorp
Classification: Benign. Last evaluated: 2026-01-20. Review status: criteria provided, single submitter. Criteria: Invitae Variant Classification Sherloc (09022015). Collection method: clinical testing. Allele origin: germline.

Mayo Clinic Laboratories, Mayo Clinic
Classification: Likely benign. Last evaluated: 2025-07-15. Review status: criteria provided, single submitter. Criteria: ACMG Guidelines, 2015. Collection method: clinical testing. Allele origin: germline. Observed: 1 variant allele.
Comment: BS1, BP4, BP7

ARUP Laboratories, Molecular Genetics and Genomics, ARUP Laboratories
Classification: Benign. Last evaluated: 2025-03-11. Review status: criteria provided, single submitter. Criteria: ARUP Molecular Germline Variant Investigation Process 2024. Collection method: clinical testing. Allele origin: germline.

Blueprint Genetics
Classification: Likely benign. Last evaluated: 2024-11-26. Review status: criteria provided, single submitter. Criteria: ACMG Guidelines, 2015. Collection method: clinical testing. Allele origin: germline.

GeneDx
Classification: Benign. Last evaluated: 2019-03-14. Review status: criteria provided, single submitter. Criteria: GeneDx Variant Classification Process June 2021. Collection method: clinical testing. Allele origin: germline. Affected: yes.

Illumina Laboratory Services, Illumina
Classification: Benign for Nicolaides-Baraitser syndrome. Last evaluated: 2018-01-13. Review status: criteria provided, single submitter. Criteria: ICSL Variant Classification Criteria 13 December 2019. Collection method: clinical testing. Allele origin: germline.
Comment: This variant was observed in the ICSL laboratory as part of a predisposition screen in an ostensibly healthy population. It had not been previously curated by ICSL or reported in the Human Gene Mutation Database (HGMD: prior to June 1st, 2018), and was therefore a candidate for classification through an automated scoring system. Utilizing variant allele frequency, disease prevalence and penetrance estimates, and inheritance mode, an automated score was calculated to assess if this variant is too frequent to cause the disease. Based on the score and internal cut-off values, a variant classified as benign is not then subjected to further curation. The score for this variant resulted in a classification of benign for this disease.

Ambry Genetics
Classification: Likely benign for Inborn genetic diseases. Last evaluated: 2017-06-23. Review status: criteria provided, single submitter. Criteria: Ambry Variant Classification Scheme 2023. Collection method: clinical testing. Allele origin: germline.

Breakthrough Genomics
Classification: Benign. Review status: criteria provided, single submitter. Criteria: ACMG Guidelines, 2015. Collection method: not provided. Allele origin: germline. Inheritance: Autosomal dominant inheritance. Affected: yes.

PreventionGenetics, part of Exact Sciences
Classification: Likely benign for SMARCA2-related condition. Last evaluated: 2019-05-28. Review status: no assertion criteria provided. Collection method: clinical testing. Allele origin: germline. Not counted in ClinVar's aggregate classification.
Comment: This variant is classified as likely benign based on ACMG/AMP sequence variant interpretation guidelines (Richards et al. 2015 PMID: 25741868, with internal and published modifications).

NM_003070.5(SMARCA2):c.1422G>A (p.Gln474=)

Gene: SMARCA2 (SWI/SNF related BAF chromatin remodeling complex subunit ATPase 2; plus strand). Cytogenetic location: 9p24.3.
Variant type: single nucleotide variant.
Coding change: c.1422G>A on transcript NM_003070.5 (MANE Select); coding-DNA position 1422, G replaced by A.
Protein change: p.Gln474=; no amino-acid change (glutamine 474 retained).
Molecular consequence: synonymous variant.
Genome position (GRCh38, 1-based): chr9:2,058,365, G>A. VCF-style: chr9-2058365-G-A. GRCh37 (hg19) VCF-style: chr9-2058365-G-A.
Other names: p.Gln474=; c.1422G>A, p.Gln474= (NM_001289396.2, NM_001289397.2, NM_139045.4).
Identifiers: ClinVar variation 366205 (VCV000366205.49), dbSNP rs144434753, ClinGen allele CA4963154.